The following is an entry in ClinVar:

NM_001211.6(BUB1B):c.10G>A (p.Val4Met)

Genes: BUB1B (BUB1 mitotic checkpoint serine/threonine kinase B; plus strand), LOC130056830 (ATAC-STARR-seq lymphoblastoid active region 9236; plus strand). Cytogenetic location: 15q15.1.
Variant type: single nucleotide variant.
Coding change: c.10G>A on transcript NM_001211.6 (MANE Select); coding-DNA position 10, G replaced by A.
Protein change: p.Val4Met; replaces valine 4 with methionine.
Molecular consequence: missense variant.
Genome position (GRCh38, 1-based): chr15:40,161,230, G>A. VCF-style: chr15-40161230-G-A. GRCh37 (hg19) VCF-style: chr15-40453431-G-A.
Other names: short protein forms V4M.
Identifiers: ClinVar variation 133764 (VCV000133764.24), dbSNP rs147549987, ClinGen allele CA157741.
Genomic context (GRCh38, chr15:40,161,230, plus strand): 5'-GCCCAGAGGAAAGGCCTGCAGCAGGACGAGGACCTGAGCCAGGAATGCAGGATGGCGGCG[G>A]TGAAGAAGGAAGGGGGTGCTCTGAGGTAGGTACGGGAGAAAGCTGCTGGGGGCTGGGCCT-3'
Protein context (NP_001202.5, residues 1-14): MAA[Val4Met]KKEGGALSEA

ClinVar aggregate classification (germline): Likely benign. Review status: criteria provided, multiple submitters, no conflicts (2 of 4 stars). 7 submissions from 7 submitters: Likely benign (5). 2 of the submissions do not count toward it. Last evaluated 2026-01-04.

Conditions:
BUB1B-related disorder. Also called: BUB1B-related condition.
Inborn genetic diseases. Identifiers: MedGen C0950123, MeSH D030342.
Mosaic variegated aneuploidy syndrome 1 (MVA1). Also called: Warburton-Anyane-Yeboa syndrome. Identifiers: Orphanet 1052, MedGen C1850343, MONDO:0009759, OMIM 257300.

Allele frequency attached by ClinVar (database versions not stated): ExAC 0.00050; 1000 Genomes Project 0.00160; ESP Exome Variant Server 0.00161; gnomAD 0.00175 and 0.00192; 1000 Genomes Project 30x 0.00187; TOPMed 0.00202; gnomAD exomes 0.00015 and 0.00040.
gnomAD v4.1: 500 of 1,613,460 alleles (0.031%); highest among the groups gnomAD compares: African/African-American, 0.63%; 1 homozygote.

Submissions (7):

Labcorp Genetics (formerly Invitae), Labcorp
Classification: Likely benign for Mosaic variegated aneuploidy syndrome 1. Last evaluated: 2026-01-04. Review status: criteria provided, single submitter. Criteria: Invitae Variant Classification Sherloc (09022015). Collection method: clinical testing. Allele origin: germline.

Blueprint Genetics
Classification: Likely benign. Last evaluated: 2024-11-25. Review status: criteria provided, single submitter. Criteria: ACMG Guidelines, 2015. Collection method: clinical testing. Allele origin: germline.

Ambry Genetics
Classification: Likely benign for Inborn genetic diseases. Last evaluated: 2021-08-27. Review status: criteria provided, single submitter. Criteria: Ambry Variant Classification Scheme 2023. Collection method: clinical testing. Allele origin: germline.

Eurofins Ntd Llc (ga)
Classification: Likely benign. Last evaluated: 2018-03-12. Review status: criteria provided, single submitter. Criteria: EGL ClinVar v180209 classification definitions. Collection method: clinical testing. Allele origin: germline. Observed: 1 variant allele, 1 heterozygote.

Breakthrough Genomics
Classification: Likely benign. Review status: criteria provided, single submitter. Criteria: ACMG Guidelines, 2015. Collection method: not provided. Allele origin: germline. Inheritance: Autosomal recessive inheritance. Affected: yes.

PreventionGenetics, part of Exact Sciences
Classification: Likely benign for BUB1B-related condition. Last evaluated: 2021-04-14. Review status: no assertion criteria provided. Collection method: clinical testing. Allele origin: germline. Not counted in ClinVar's aggregate classification.
Comment: This variant is classified as likely benign based on ACMG/AMP sequence variant interpretation guidelines (Richards et al. 2015 PMID: 25741868, with internal and published modifications).

ITMI
No classification provided. Condition: AllHighlyPenetrant. Last evaluated: 2013-09-19. Review status: no classification provided. Collection method: reference population. Allele origin: germline. Not counted in ClinVar's aggregate classification.
Comment: Please see associated publication for description of ethnicities

Literature cited by the submitters: PubMed 24728327 (cited by ITMI).